The following is an entry in ClinVar:

ClinVar aggregate classification (germline): Uncertain significance (1 of 4 stars; one submission).

gnomAD v4.1: 32 of 1,611,176 alleles (0.002%); highest among the groups gnomAD compares: Non-Finnish European, 0.0025%; no homozygotes.

Submission:

Mayo Clinic Laboratories, Mayo Clinic
Classification: Uncertain significance. Last evaluated: 2025-12-12. Review status: criteria provided, single submitter. Criteria: ACMG Guidelines, 2015. Collection method: clinical testing. Allele origin: germline. Observed: 1 variant allele.
Comment: BP4, PM2_supporting

NM_005876.5(SPEG):c.6994G>A (p.Val2332Met)

Genes: ASIC4-AS1 (ASIC4 antisense RNA 1; minus strand), SPEG (striated muscle enriched protein kinase; plus strand). Cytogenetic location: 2q35.
Variant type: single nucleotide variant.
Coding change: c.6994G>A on transcript NM_005876.5 (MANE Select); coding-DNA position 6994, G replaced by A.
Protein change: p.Val2332Met; replaces valine 2332 with methionine.
Molecular consequence: missense variant.
Genome position (GRCh38, 1-based): chr2:219,484,457, G>A. VCF-style: chr2-219484457-G-A. GRCh37 (hg19) VCF-style: chr2-220349179-G-A.
Other names: p.Val2332Met; short protein forms V2332M.
Identifiers: ClinVar variation 4540811 (VCV004540811.1).